The following is an entry in ClinVar:

NM_001171.6(ABCC6):c.3421C>T (p.Arg1141Ter)

Gene: ABCC6 (ATP binding cassette subfamily C member 6; minus strand). Cytogenetic location: 16p13.11.
Variant type: single nucleotide variant.
Coding change: c.3421C>T on transcript NM_001171.6 (MANE Select); coding-DNA position 3421, C replaced by T.
Protein change: p.Arg1141Ter; replaces arginine 1141 with a stop codon.
Molecular consequence: nonsense.
Genome position (GRCh38, 1-based): chr16:16,163,078, G>A on the plus strand (C>T on the coding strand, the complement: ABCC6 is on the minus strand). VCF-style: chr16-16163078-G-A. GRCh37 (hg19) VCF-style: chr16-16256935-G-A.
Other names: p.Arg1141Ter; c.3079C>T, p.Arg1027Ter (NM_001351800.1); short protein forms R1141*, R1027*.
Identifiers: ClinVar variation 6559 (VCV000006559.98), dbSNP rs72653706, ClinGen allele CA129115.

ClinVar aggregate classification (germline): Pathogenic. Review status: criteria provided, multiple submitters, no conflicts (2 of 4 stars). 42 submissions from 39 submitters: Pathogenic (32). 10 of the submissions do not count toward it. Last evaluated 2026-09-22.

Conditions:
Inherited pseudoxanthoma elasticum. Identifiers: MedGen C1274225, MONDO:0100091.
Pseudoxanthoma elasticum. Also called: Pseudoxanthoma elasticum (inherited or acquired). Identifiers: MedGen C0033847, MONDO:0024308.
ABCC6-related disorder. Also called: ABCC6-related condition.
Autosomal recessive inherited pseudoxanthoma elasticum (PXE). Identifiers: Orphanet 758, MedGen CN032334, MONDO:0009925, OMIM 264800.
Arterial calcification, generalized, of infancy, 2. Identifiers: Orphanet 51608, MedGen C3276161, MONDO:0013768, OMIM 614473.
Pseudoxanthoma elasticum, forme fruste. Also called: PSEUDOXANTHOMA ELASTICUM, HETEROZYGOUS; Pseudoxanthoma Elasticum, Incomplete. Identifiers: Orphanet 758, MedGen C1867450, MONDO:0008333, OMIM 177850.
Retinal disorder. Also called: Retinal disorders; Retinopathy; Retinopathies; Retinal Diseases. Identifiers: MedGen C0035309, MONDO:0005283, HP:0000488.
Cutis laxa. Identifiers: Orphanet 209, MedGen C0010495, MONDO:0016175, HP:0000973.
Papule. Identifiers: MedGen C0332563, HP:0200034.

Allele frequency attached by ClinVar (database versions not stated): gnomAD 0.00122 and 0.00114; ExAC 0.00140; 1000 Genomes Project 0.00060; 1000 Genomes Project 30x 0.00047; TOPMed 0.00108; gnomAD exomes 0.00141 and 0.00168.
gnomAD v4.1: 2,603 of 1,613,922 alleles (0.16%); highest among the groups gnomAD compares: Non-Finnish European, 0.19%; 5 homozygotes.

Submissions 1 to 8 of 42:

PreventionGenetics, part of Exact Sciences
Classification: Pathogenic for ABCC6-related condition. Last evaluated: 2026-09-22. Review status: criteria provided, single submitter. Criteria: ACMG Guidelines, 2015. Collection method: clinical testing. Allele origin: germline.
Comment: The ABCC6 c.3421C>T variant is predicted to result in premature protein termination (p.Arg1141*). This variant, also described as MRP6 p.Arg1141*, has been reported in individuals with autosomal recessive pseudoxanthoma elasticum (PXE) and segregates with disease (see for example: Ringpfeil et al. 2000. PubMed ID: 10811882; Hu et al. 2003. PubMed ID: 12714611; Miksch et al. 2005. PubMed ID: 16086317). In addition, several studies have reported a significantly increased risk of coronary artery disease in carriers of the ABCC6 p.Arg1141* variant (Trip et al. 2002. PubMed ID: 12176944; Köblös et al. 2010. PubMed ID: 19929409). This variant is reported in 0.28% of alleles in individuals of European (Finnish) descent in gnomAD, but is described as a founder variant in the Dutch population (Hu et al. 2003. PubMed ID: 12714611; Miksch et al. 2005. PubMed ID: 16086317). Nonsense variants in ABCC6 are expected to be pathogenic. This variant is interpreted as pathogenic.

CeGaT Center for Human Genetics Tuebingen
Classification: Pathogenic. Last evaluated: 2026-09-01. Review status: criteria provided, single submitter. Criteria: CeGaT Center For Human Genetics Tuebingen Variant Classification Criteria Version 2. Collection method: clinical testing. Allele origin: germline. Affected: yes. Observed: 13 variant alleles.
Comment: ABCC6: PM3:Very Strong, PVS1, PP1:Strong, PM2:Supporting

Petrovsky National Research Centre of Surgery, The Federal Agency for Scientific Organizations
Classification: Pathogenic for Inherited pseudoxanthoma elasticum. Last evaluated: 2026-07-02. Review status: criteria provided, single submitter. Criteria: ACMG Guidelines, 2015. Collection method: clinical testing. Allele origin: germline. Inheritance: Autosomal recessive inheritance. Affected: yes. Observed: 1 variant allele.
Comment: The variant is in The Genome Aggregation Database (gnomAD) v4.1.1 with total 0.0000006457. (Date of access 2026-03-24). The NM_001171.6:c.3421C>T is a known Pathogenic variant for AR pseudoxanthoma elasticum (PMID: 10811882, 10835642, 10835643, 11536079, 12176944, 12384774, 12714611, 14631379, 15040442, 16086317, 16133423, 16384891, 16541094, 16854481, 17617515, 18800149, 19929409, 20301292, 21831958, 22209248, 23485117, 23675997, 23746223, 24008425, 24352041, 25525159, 25741868, 26982014, 27133371, 28102862, 28492532, 29709427, 29722917, 29800625, 30206659, 30229859, 30985656, 31345219, 31456290, 31589614, 31646622, 31903434, 31980526, 32573669, 32646269, 33726816, 33812167, 33820832, 33879512, 34205333, 34426522, 34440381, 34906475, 35261845, 35456422, 35525997, 36317459, 36368308, 36411388, 38219857, 38433745, 38602027, 38944164, 39563277, 40008663, 40282368, 40794449). In accordance with ACMG (2015) criteria this variant is classified as Pathogenic with following criteria selected: PVS1, PM3, PM2 for AR pseudoxanthoma elasticum.

Dasa
Classification: Pathogenic. Last evaluated: 2026-02-18. Review status: criteria provided, single submitter. Criteria: DASA Assertion Criteria. Collection method: clinical testing. Allele origin: germline.
Comment: NM_001171.6(ABCC6):c.3421C>T (p.Arg1141Ter) introduces a premature termination codon predicted to result in loss of normal protein function. Loss-of-function is an established mechanism of disease for this gene. Segregation evidence has been reported in affected families. This variant has been observed in affected individuals with related phenotype in a genotype context consistent with recessive disease (PMID: 10835642; PMID: 12714611; PMID: 17617515; PMID: 22209248; PMID: 26982014). This variant has been recurrently observed in individuals with related phenotype (PMID: 10835642; PMID: 12714611; PMID: 17617515; PMID: 22209248; PMID: 26982014). The variant is present at low frequency in population datasets. Based on the available data, this variant is classified as pathogenic.

OLLIN Analises Genomicas, OLLIN
Classification: Pathogenic for Autosomal recessive inherited pseudoxanthoma elasticum. Last evaluated: 2026-02-13. Review status: criteria provided, single submitter. Criteria: ACMG Guidelines 2015 PMID 25741868. Collection method: clinical testing. Allele origin: germline. Observed: 1 variant allele.
Comment: PVS1, PM2_P, PM3_VS, PP1

Labcorp Genetics (formerly Invitae), Labcorp
Classification: Pathogenic. Last evaluated: 2026-01-30. Review status: criteria provided, single submitter. Criteria: Invitae Variant Classification Sherloc (09022015). Collection method: clinical testing. Allele origin: germline.
Comment: This sequence change creates a premature translational stop signal (p.Arg1141*) in the ABCC6 gene. It is expected to result in an absent or disrupted protein product. Loss-of-function variants in ABCC6 are known to be pathogenic (PMID: 11536079, 17617515). This variant is present in population databases (rs72653706, gnomAD 0.3%), and has an allele count higher than expected for a pathogenic variant. This premature translational stop signal has been observed in individual(s) with pseudoxanthoma elasticum (PMID: 10835642, 12714611, 17617515, 22209248, 26982014). It has also been observed to segregate with disease in related individuals. ClinVar contains an entry for this variant (Variation ID: 6559). Algorithms developed to predict the effect of sequence changes on RNA splicing suggest that this variant may disrupt the consensus splice site. For these reasons, this variant has been classified as Pathogenic.

3billion
Classification: Pathogenic for Autosomal recessive inherited pseudoxanthoma elasticum. Last evaluated: 2025-12-15. Review status: criteria provided, single submitter. Criteria: ACMG Guidelines, 2015. Collection method: clinical testing. Allele origin: germline. Affected: yes.
Comment: The variant is observed at an extremely low frequency in the gnomAD v4.1.0 dataset (total allele frequency: 0.161%). Predicted Consequence/Location: Stop-gained (nonsense): predicted to result in a loss or disruption of normal protein function through nonsense-mediated decay (NMD) or protein truncation. Multiple pathogenic variants are reported downstream of the variant. In silico tools predict the variant to alter splicing and produce an abnormal transcript [SpliceAI: 0.47 (spliceogenicity >=0.2, non-spliceogenicity <0.1)]. The variant has been reported at least twice as pathogenic with clinical assertions and evidence for the classification (ClinVar ID: VCV000006559 /PMID: 10811882 /3billion dataset). Therefore, this variant is classified as Pathogenic according to the recommendation of ACMG/AMP guideline.

Rady Children's Institute for Genomic Medicine, Rady Children's Hospital San Diego
Classification: Pathogenic for ABCC6-related disorders. Last evaluated: 2025-12-05. Review status: criteria provided, single submitter. Criteria: ACMG Guidelines, 2015. Collection method: clinical testing. Allele origin: germline. Affected: yes.
Comment: This nonsense variant found in exon 24 of 31 is predicted to result in loss of normal protein function through either protein truncation or nonsense-mediated mRNA decay. Loss-of-function variation in ABCC6 is an established mechanism of disease (PMID: 20301292, 12714611). This is a known Pathogenic variant that has been previously reported as a homozygous and compound heterozygous change in patients with ABCC6-related disorders (PMID: 10835642, 12714611, 17617515, 22209248, 26982014). Functional studies demonstrated that the c.3421C>T (p.Arg1141Ter) variant results in mRNA instability and absence of the protein in immunohistochemistry studies (PMID: 12714611). The c.3421C>T (p.Arg1141Ter) variant is present in the latest version of the gnomAD population database at an allele frequency of 0.16% (2603/1613922), including 5 homozygous individuals. Based on the available evidence, c.3421C>T (p.Arg1141Ter) is classified as Pathogenic.